The following is an entry in ClinVar:

ClinVar aggregate classification (germline): Uncertain significance (1 of 4 stars; one submission).

Submission:

GeneDx
Classification: Uncertain significance. Last evaluated: 2019-12-12. Review status: criteria provided, single submitter. Criteria: GeneDx Variant Classification Process June 2021. Collection method: clinical testing. Allele origin: germline. Affected: yes.
Comment: Has not been previously published as pathogenic or benign to our knowledge; Not observed in large population cohorts (Lek et al., 2016); In silico analysis, which includes protein predictors and evolutionary conservation, supports a deleterious effect

NM_000540.3(RYR1):c.330T>A (p.His110Gln)

Gene: RYR1 (ryanodine receptor 1; plus strand). Cytogenetic location: 19q13.2.
Variant type: single nucleotide variant.
Coding change: c.330T>A on transcript NM_000540.3 (MANE Select); coding-DNA position 330, T replaced by A.
Protein change: p.His110Gln; replaces histidine 110 with glutamine.
Molecular consequence: missense variant.
Genome position (GRCh38, 1-based): chr19:38,443,617, T>A. VCF-style: chr19-38443617-T-A. GRCh37 (hg19) VCF-style: chr19-38934257-T-A.
Other names: c.330T>A, p.His110Gln (NM_001042723.2); short protein forms H110Q.
Identifiers: ClinVar variation 1311438 (VCV001311438.2), dbSNP rs2145335735, ClinGen allele CA405675364.